The following is an entry in ClinVar:

NM_000051.4(ATM):c.4052T>C (p.Leu1351Ser)

Gene: ATM (ATM serine/threonine kinase; plus strand). Cytogenetic location: 11q22.3.
Variant type: single nucleotide variant.
Coding change: c.4052T>C on transcript NM_000051.4 (MANE Select); coding-DNA position 4052, T replaced by C.
Protein change: p.Leu1351Ser; replaces leucine 1351 with serine.
Molecular consequence: missense variant.
Genome position (GRCh38, 1-based): chr11:108,287,658, T>C. VCF-style: chr11-108287658-T-C. GRCh37 (hg19) VCF-style: chr11-108158385-T-C.
Other names: c.4052T>C, p.Leu1351Ser (NM_001351834.2); short protein forms L1351S.
Identifiers: ClinVar variation 2568230 (VCV002568230.2), dbSNP rs1565452687, ClinGen allele CA382527933.

ClinVar aggregate classification (germline): Uncertain significance (1 of 4 stars; one submission).

Conditions:
Hereditary cancer-predisposing syndrome. Also called: Hereditary neoplastic syndrome; Hereditary Cancer Syndrome; Neoplastic Syndromes, Hereditary; Tumor predisposition. Identifiers: Orphanet 140162, MedGen C0027672, MeSH D009386, MONDO:0015356.

Submission:

Ambry Genetics
Classification: Uncertain significance for Hereditary cancer-predisposing syndrome. Last evaluated: 2023-05-21. Review status: criteria provided, single submitter. Criteria: Ambry Variant Classification Scheme 2023. Collection method: clinical testing. Allele origin: germline.
Comment: The p.L1351S variant (also known as c.4052T>C), located in coding exon 26 of the ATM gene, results from a T to C substitution at nucleotide position 4052. The leucine at codon 1351 is replaced by serine, an amino acid with dissimilar properties. This amino acid position is conserved. In addition, this alteration is predicted to be deleterious by in silico analysis. Since supporting evidence is limited at this time, the clinical significance of this alteration remains unclear.